The following is an entry in ClinVar:

ClinVar aggregate classification (germline): Uncertain significance. Review status: criteria provided, multiple submitters, no conflicts (2 of 4 stars). 2 submissions from 2 submitters: Uncertain significance (2). Last evaluated 2022-07-25.

Conditions:
Muscular dystrophy-dystroglycanopathy type B6 (MDDGB6). Also called: MUSCULAR DYSTROPHY-DYSTROGLYCANOPATHY (CONGENITAL WITH IMPAIRED INTELLECTUAL DEVELOPMENT), TYPE B, 6; MUSCULAR DYSTROPHY, CONGENITAL, LARGE-RELATED; MUSCULAR DYSTROPHY, CONGENITAL, TYPE 1D. Identifiers: MedGen C1837229, MONDO:0012138, OMIM 608840.

Allele frequency attached by ClinVar (database versions not stated): gnomAD exomes below 0.00001 and 0.00001; ExAC 0.00001; gnomAD 0.00001; TOPMed 0.00001.
gnomAD v4.1: 24 of 1,614,060 alleles (0.0015%); highest among the groups gnomAD compares: Non-Finnish European, 0.0018%; no homozygotes.

Submissions (2):

Revvity Omics, Revvity
Classification: Uncertain significance. Last evaluated: 2022-07-25. Review status: criteria provided, single submitter. Criteria: ACMG Guidelines, 2015. Collection method: clinical testing. Allele origin: germline.

Labcorp Genetics (formerly Invitae), Labcorp
Classification: Uncertain significance for Muscular dystrophy-dystroglycanopathy type B6. Last evaluated: 2021-08-12. Review status: criteria provided, single submitter. Criteria: Invitae Variant Classification Sherloc (09022015). Collection method: clinical testing. Allele origin: germline.
Comment: This sequence change replaces alanine with valine at codon 252 of the LARGE1 protein (p.Ala252Val). The alanine residue is moderately conserved and there is a small physicochemical difference between alanine and valine. This variant is present in population databases (rs764632554, ExAC 0.002%). This variant has not been reported in the literature in individuals affected with LARGE1-related conditions. Algorithms developed to predict the effect of missense changes on protein structure and function (SIFT, PolyPhen-2, Align-GVGD) all suggest that this variant is likely to be tolerated. In summary, the available evidence is currently insufficient to determine the role of this variant in disease. Therefore, it has been classified as a Variant of Uncertain Significance.

NM_133642.5(LARGE1):c.755C>T (p.Ala252Val)

Gene: LARGE1 (LARGE xylosyl- and glucuronyltransferase 1; minus strand). Cytogenetic location: 22q12.3.
Variant type: single nucleotide variant.
Coding change: c.755C>T on transcript NM_133642.5 (MANE Select); coding-DNA position 755, C replaced by T.
Protein change: p.Ala252Val; replaces alanine 252 with valine.
Molecular consequence: missense variant.
Genome position (GRCh38, 1-based): chr22:33,564,880, G>A on the plus strand (C>T on the coding strand, the complement: LARGE1 is on the minus strand). VCF-style: chr22-33564880-G-A. GRCh37 (hg19) VCF-style: chr22-33960866-G-A.
Other names: c.755C>T (NM_004737.6); c.755C>T, p.Ala252Val (NM_001362949.2, NM_001362951.2, NM_001362953.2 and 7 more transcripts); c.152C>T, p.Ala51Val (NM_001378630.1, NM_001378631.1); short protein forms A252V, A51V.
Identifiers: ClinVar variation 1498936 (VCV001498936.5), dbSNP rs764632554, ClinGen allele CA10202950.